The following is an entry in ClinVar:

ClinVar aggregate classification (germline): Likely pathogenic (1 of 4 stars; one submission).

Conditions:
Myeloproliferative neoplasm. Identifiers: Orphanet 98274, MedGen C1292778, MONDO:0020076.

Submission:

Dept of Medical Biology, Uskudar University
Classification: Likely pathogenic for Myeloproliferative neoplasm. Last evaluated: 2026-09-23. Review status: criteria provided, single submitter. Criteria: Dept of Medical Biology Variant Classification. Collection method: research. Allele origin: unknown. Affected: yes. Observed: 1 variant allele.
Comment: PS1_moderate (by analogy): the frameshift generates the same neomorphic carboxy-terminus as the established pathogenic CALR type 1 and type 2 alleles (PMID:24325356; PMID:24325359). PM1: located in the exon 9 frameshift hotspot that generates the neomorphic carboxy-terminus. PM2_supporting: absent from gnomAD v4.1. PP4: carriers were JAK2 V617F-negative and referred for suspected myeloproliferative neoplasm, a phenotype highly specific for CALR-mutated disease. Classified as likely pathogenic under the ACMG/AMP 2015 guidelines (PMID:25741868). Detected in a retrospective series of 256 BCR::ABL1-negative and JAK2 V617F-negative patients referred for molecular investigation of a suspected myeloproliferative neoplasm (May 2007 to January 2015) and re-interpreted under the ACMG/AMP 2015 criteria.

Literature cited by the submitters: PubMed 24325356; PubMed 24325359.

NM_004343.4(CALR):c.1141del (p.Glu381fs)

Gene: CALR (calreticulin; plus strand). Cytogenetic location: 19p13.13.
Variant type: Deletion.
Coding change: c.1141del on transcript NM_004343.4 (MANE Select); coding-DNA position 1141, one base deleted (G; older notation c.1141delG).
Protein change: p.Glu381fs; shifts the reading frame from glutamic acid 381.
Molecular consequence: frameshift variant.
Genome position (GRCh38, 1-based): chr19:12,943,800, G deleted; the last of 2 consecutive G bases (chr19:12,943,799-12,943,800); deleting either gives the same sequence. VCF-style (leftmost placement, unchanged base first): chr19-12943798-AG-A. GRCh37 (hg19) VCF-style: chr19-13054612-AG-A.
Other names: short protein forms E381fs.
Identifiers: ClinVar variation 5036695 (VCV005036695.1).